The following is an entry in ClinVar:

ClinVar aggregate classification (germline): Uncertain significance (1 of 4 stars; one submission).

Submission:

Dasa
Classification: Uncertain significance. Last evaluated: 2026-08-06. Review status: criteria provided, single submitter. Criteria: DASA Assertion Criteria. Collection method: clinical testing. Allele origin: germline.
Comment: NM_032217.5(ANKRD17):c.7634C>G (p.Ala2545Gly) is a missense variant that results in the substitution of alanine with glycine. This variant is rare in population databases. The currently available literature and clinical evidence are not sufficient to establish a definitive association between this variant and the reported condition. Therefore, this variant is classified as a variant of uncertain significance.

NM_032217.5(ANKRD17):c.7634C>G (p.Ala2545Gly)

Gene: ANKRD17 (ankyrin repeat domain 17; minus strand). Cytogenetic location: 4q13.3.
Variant type: single nucleotide variant.
Coding change: c.7634C>G on transcript NM_032217.5 (MANE Select); coding-DNA position 7634, C replaced by G.
Protein change: p.Ala2545Gly; replaces alanine 2545 with glycine.
Molecular consequence: missense variant.
Genome position (GRCh38, 1-based): chr4:73,077,058, G>C on the plus strand (C>G on the coding strand, the complement: ANKRD17 is on the minus strand). VCF-style: chr4-73077058-G-C. GRCh37 (hg19) VCF-style: chr4-73942775-G-C.
Other names: c.7295C>G, p.Ala2432Gly (NM_001286771.3); c.7631C>G, p.Ala2544Gly (NM_015574.2); c.6881C>G, p.Ala2294Gly (NM_198889.3); short protein forms A2294G, A2432G, A2544G, A2545G.
Identifiers: ClinVar variation 5020544 (VCV005020544.1).